The following is an entry in ClinVar:

ClinVar aggregate classification (germline): Conflicting classifications of pathogenicity. Review status: criteria provided, conflicting classifications (1 of 4 stars). 5 submissions from 5 submitters: Uncertain significance (1); Benign (1); Likely benign (3). Last evaluated 2026-03-01.

Conditions:
Leukoencephalopathy with brain stem and spinal cord involvement-high lactate syndrome (LBSL). Also called: LEUKOENCEPHALOPATHY WITH BRAINSTEM AND SPINAL CORD INVOLVEMENT AND LACTATE ELEVATION, MILD; Leukoencephalopathy with Brainstem and Spinal Cord Involvement and Lactate Elevation; MITOCHONDRIAL ASPARTYL-tRNA SYNTHETASE DEFICIENCY. Identifiers: Orphanet 137898, MedGen C1970180, MONDO:0012622, OMIM 611105.

Allele frequency attached by ClinVar (database versions not stated): TOPMed 0.00011; ESP Exome Variant Server 0.00015; gnomAD exomes 0.00031 and 0.00058; 1000 Genomes Project 30x 0.00047; gnomAD 0.00054 and 0.00056; ExAC 0.00056; 1000 Genomes Project 0.00060.
gnomAD v4.1: 517 of 1,519,090 alleles (0.034%); highest among the groups gnomAD compares: Non-Finnish European, 0.018%; 2 homozygotes.

Submissions (5):

CeGaT Center for Human Genetics Tuebingen
Classification: Likely benign. Last evaluated: 2026-03-01. Review status: criteria provided, single submitter. Criteria: CeGaT Center For Human Genetics Tuebingen Variant Classification Criteria Version 2. Collection method: clinical testing. Allele origin: germline. Affected: yes. Observed: 4 variant alleles.
Comment: DARS2: BP4, BP7

Labcorp Genetics (formerly Invitae), Labcorp
Classification: Benign. Last evaluated: 2026-01-14. Review status: criteria provided, single submitter. Criteria: Invitae Variant Classification Sherloc (09022015). Collection method: clinical testing. Allele origin: germline.

Mayo Clinic Laboratories, Mayo Clinic
Classification: Likely benign. Last evaluated: 2025-07-23. Review status: criteria provided, single submitter. Criteria: ACMG Guidelines, 2015. Collection method: clinical testing. Allele origin: germline. Observed: 2 variant alleles.
Comment: BS1, BP4, BP7

Blueprint Genetics
Classification: Likely benign. Last evaluated: 2024-11-15. Review status: criteria provided, single submitter. Criteria: ACMG Guidelines, 2015. Collection method: clinical testing. Allele origin: germline.

Illumina Laboratory Services, Illumina
Classification: Uncertain significance for Leukoencephalopathy with brain stem and spinal cord involvement-high lactate syndrome. Last evaluated: 2018-01-13. Review status: criteria provided, single submitter. Criteria: ICSL Variant Classification Criteria 13 December 2019. Collection method: clinical testing. Allele origin: germline.

NM_018122.5(DARS2):c.261T>C (p.Asp87=)

Gene: DARS2 (aspartyl-tRNA synthetase 2, mitochondrial; plus strand). Cytogenetic location: 1q25.1.
Variant type: single nucleotide variant.
Coding change: c.261T>C on transcript NM_018122.5 (MANE Select); coding-DNA position 261, T replaced by C.
Protein change: p.Asp87=; no amino-acid change (aspartic acid 87 retained).
Molecular consequence: synonymous variant.
Genome position (GRCh38, 1-based): chr1:173,828,366, T>C. VCF-style: chr1-173828366-T-C. GRCh37 (hg19) VCF-style: chr1-173797504-T-C.
Other names: p.Asp87=; c.261T>C, p.Asp87= (NM_001365212.1, NM_001365213.2).
Identifiers: ClinVar variation 293814 (VCV000293814.51), dbSNP rs182096636, ClinGen allele CA1250080.
Genomic context (GRCh38, chr1:173,828,366, plus strand): 5'-TTTCTTTTCCCCCCCCCCATTAATCAGGCAAAACACATTCTTGGTCCTAAGAGATTTCGA[T>C]GGGCTTGTTCAAGTTATCATTCCCCAGGATGAGGTAATAGAAAATTTCCTGTTATTATCT-3'
Protein context (NP_060592.2, residues 77-97): QNTFLVLRDF[Asp87=]GLVQVIIPQD